The following is an entry in ClinVar:

NM_080680.3(COL11A2):c.1928G>A (p.Gly643Glu)

Gene: COL11A2 (collagen type XI alpha 2 chain; minus strand). Cytogenetic location: 6p21.32.
Variant type: single nucleotide variant.
Coding change: c.1928G>A on transcript NM_080680.3 (MANE Select); coding-DNA position 1928, G replaced by A.
Protein change: p.Gly643Glu; replaces glycine 643 with glutamic acid.
Molecular consequence: missense variant. On other transcripts: 5 prime UTR variant (1).
Genome position (GRCh38, 1-based): chr6:33,177,455, C>T on the plus strand (G>A on the coding strand, the complement: COL11A2 is on the minus strand). VCF-style: chr6-33177455-C-T. GRCh37 (hg19) VCF-style: chr6-33145232-C-T.
Other names: c.1748G>A, p.Gly583Glu (NM_001424108.1); c.1082G>A, p.Gly361Glu (NM_001424109.1); c.902G>A, p.Gly301Glu (NM_001424110.1, NM_001424111.1); c.-119G>A (NM_001424112.1); c.1607G>A, p.Gly536Glu (NM_080679.3); c.1670G>A, p.Gly557Glu (NM_080681.3); short protein forms G301E, G361E, G536E, G557E, G583E, G643E.
Identifiers: ClinVar variation 4798533 (VCV004798533.1).
Genomic context (GRCh38, chr6:33,177,455, plus strand): 5'-GTAGGGGCACCGCTCACCTGGGTCCCAGGGGTGCCCTGTTGTCCAGGAGGTCCTGGCTCT[C>T]CCTGGGGTCCCTAGAAACAGGTGACCAGGCACAGGTCAGAAGGAGATGGAGATAGAACAC-3'
Protein context (NP_542411.2, residues 633-653): QGPKGSLGPQ[Gly643Glu]EPGPPGQQGT

ClinVar aggregate classification (germline): Uncertain significance (1 of 4 stars; one submission).

Submission:

Labcorp Genetics (formerly Invitae), Labcorp
Classification: Uncertain significance. Last evaluated: 2025-11-13. Review status: criteria provided, single submitter. Criteria: Invitae Variant Classification Sherloc (09022015). Collection method: clinical testing. Allele origin: germline.
Comment: This sequence change replaces glycine, which is neutral and non-polar, with glutamic acid, which is acidic and polar, at codon 643 of the COL11A2 protein (p.Gly643Glu). This variant is not present in population databases (gnomAD no frequency). This variant has not been reported in the literature in individuals affected with COL11A2-related conditions. Invitae Evidence Modeling of protein sequence and biophysical properties (such as structural, functional, and spatial information, amino acid conservation, physicochemical variation, residue mobility, and thermodynamic stability) indicates that this missense variant is expected to disrupt COL11A2 protein function with a positive predictive value of 95%. In summary, the available evidence is currently insufficient to determine the role of this variant in disease. Therefore, it has been classified as a Variant of Uncertain Significance.